The following is an entry in ClinVar:

NM_174912.4(FAAH2):c.1588G>C (p.Gly530Arg)

Gene: FAAH2 (fatty acid amide hydrolase 2; plus strand). Cytogenetic location: Xp11.21.
Variant type: single nucleotide variant.
Coding change: c.1588G>C on transcript NM_174912.4 (MANE Select); coding-DNA position 1588, G replaced by C.
Protein change: p.Gly530Arg; replaces glycine 530 with arginine.
Molecular consequence: missense variant. On other transcripts: non-coding transcript variant (2).
Genome position (GRCh38, 1-based): chrX:57,488,921, G>C. VCF-style: chrX-57488921-G-C. GRCh37 (hg19) VCF-style: chrX-57515354-G-C.
Other names: c.1468G>C, p.Gly490Arg (NM_001353840.1); c.1378G>C, p.Gly460Arg (NM_001353841.1); short protein forms G460R, G490R, G530R.
Identifiers: ClinVar variation 2660722 (VCV002660722.24), dbSNP rs762805177, ClinGen allele CA10430983.

ClinVar aggregate classification (germline): Uncertain significance (1 of 4 stars; one submission).

Allele frequency attached by ClinVar (database versions not stated): ExAC 0.00001; gnomAD 0.00001; TOPMed 0.00001.
gnomAD v4.1: 4 of 1,206,941 alleles (0.00033%); highest among the groups gnomAD compares: Non-Finnish European, 0.00045%; no homozygotes.

Submission:

CeGaT Center for Human Genetics Tuebingen
Classification: Uncertain significance. Last evaluated: 2022-10-01. Review status: criteria provided, single submitter. Criteria: CeGaT Center For Human Genetics Tuebingen Variant Classification Criteria Version 2. Collection method: clinical testing. Allele origin: germline. Affected: yes. Observed: 1 variant allele.
Comment: FAAH2: PM2, BP4